The following is an entry in ClinVar:

ClinVar aggregate classification (germline): Uncertain significance (1 of 4 stars; one submission).

gnomAD v4.1: 1 of 1,613,138 alleles (0.000062%); highest among the groups gnomAD compares: Admixed American, 0.0017%; no homozygotes.

Submission:

Labcorp Genetics (formerly Invitae), Labcorp
Classification: Uncertain significance. Last evaluated: 2023-06-29. Review status: criteria provided, single submitter. Criteria: Invitae Variant Classification Sherloc (09022015). Collection method: clinical testing. Allele origin: germline.
Comment: This sequence change replaces alanine, which is neutral and non-polar, with proline, which is neutral and non-polar, at codon 29 of the NDUFB8 protein (p.Ala29Pro). This variant also falls at the last nucleotide of exon 1, which is part of the consensus splice site for this exon. This variant is not present in population databases (gnomAD no frequency). This variant has not been reported in the literature in individuals affected with NDUFB8-related conditions. An algorithm developed to predict the effect of missense changes on protein structure and function (PolyPhen-2) suggests that this variant is likely to be disruptive. Variants that disrupt the consensus splice site are a relatively common cause of aberrant splicing (PMID: 17576681, 9536098). Algorithms developed to predict the effect of sequence changes on RNA splicing suggest that this variant may disrupt the consensus splice site. In summary, the available evidence is currently insufficient to determine the role of this variant in disease. Therefore, it has been classified as a Variant of Uncertain Significance.

Literature cited by the submitters: PubMed 17576681; PubMed 9536098.

NM_005004.4(NDUFB8):c.85G>C (p.Ala29Pro)

Gene: NDUFB8 (NADH:ubiquinone oxidoreductase subunit B8; minus strand). Cytogenetic location: 10q24.31.
Variant type: single nucleotide variant.
Coding change: c.85G>C on transcript NM_005004.4 (MANE Select); coding-DNA position 85, G replaced by C.
Protein change: p.Ala29Pro; replaces alanine 29 with proline.
Molecular consequence: missense variant. On other transcripts: intron variant (1).
Genome position (GRCh38, 1-based): chr10:100,529,767, C>G on the plus strand (G>C on the coding strand, the complement: NDUFB8 is on the minus strand). VCF-style: chr10-100529767-C-G. GRCh37 (hg19) VCF-style: chr10-102289524-C-G.
Other names: c.85G>C, p.Ala29Pro (NM_001284367.2); c.-9+91G>C (NM_001284368.1); short protein forms A29P.
Identifiers: ClinVar variation 3005292 (VCV003005292.3), dbSNP rs1417422321, ClinGen allele CA378177099.